The following is an entry in ClinVar:

ClinVar aggregate classification (germline): Uncertain significance (1 of 4 stars; one submission).

Conditions:
Hypertrophic cardiomyopathy 11. Also called: ACTC1-Related Familial Hypertrophic Cardiomyopathy. Identifiers: MedGen C2677506, MONDO:0012799, OMIM 612098.
Dilated cardiomyopathy 1R (CMD1R). Identifiers: Orphanet 154, Orphanet 54260, MedGen C3150681, MONDO:0013261, OMIM 613424.
Atrial septal defect 5 (ASD5). Identifiers: Orphanet 1478, MedGen C2748552, MONDO:0013011, OMIM 612794.

Submission:

Labcorp Genetics (formerly Invitae), Labcorp
Classification: Uncertain significance for Dilated cardiomyopathy 1R; Hypertrophic cardiomyopathy 11; Atrial septal defect 5. Last evaluated: 2022-08-12. Review status: criteria provided, single submitter. Criteria: Invitae Variant Classification Sherloc (09022015). Collection method: clinical testing. Allele origin: germline.
Comment: In summary, the available evidence is currently insufficient to determine the role of this variant in disease. Therefore, it has been classified as a Variant of Uncertain Significance. This variant has not been reported in the literature in individuals affected with ACTC1-related conditions. This variant is not present in population databases (gnomAD no frequency). This sequence change creates a premature translational stop signal (p.Gly148Alafs*14) in the ACTC1 gene. It is expected to result in an absent or disrupted protein product. However, the current clinical and genetic evidence is not sufficient to establish whether loss-of-function variants in ACTC1 cause disease.

NM_005159.5(ACTC1):c.441del (p.Gly148fs)

Genes: ACTC1 (actin alpha cardiac muscle 1; minus strand), GJD2-DT (GJD2 divergent transcript; plus strand). Cytogenetic location: 15q14.
Variant type: Deletion.
Coding change: c.441del on transcript NM_005159.5 (MANE Select); coding-DNA position 441, one base deleted (T; older notation c.441delT).
Protein change: p.Gly148fs; shifts the reading frame from glycine 148.
Molecular consequence: frameshift variant.
Genome position (GRCh38, 1-based): chr15:34,793,258, A deleted on the plus strand (T on the coding strand, the reverse complement: ACTC1 is on the minus strand). VCF-style (leftmost placement, unchanged base first): chr15-34793257-CA-C. GRCh37 (hg19) VCF-style: chr15-35085458-CA-C.
Other names: c.441delT, p.Gly148Alafs (NM_001406482.1, NM_001406483.1); c.306delT, p.Gly103Alafs (NM_001406484.1); short protein forms G148fs.
Identifiers: ClinVar variation 2023621 (VCV002023621.4), dbSNP rs2504182515, ClinGen allele CA2580089288.